The following is an entry in ClinVar:

ClinVar aggregate classification (germline): Uncertain significance. Review status: criteria provided, multiple submitters, no conflicts (2 of 4 stars). 2 submissions from 2 submitters: Uncertain significance (2). Last evaluated 2025-12-04.

Conditions:
Inborn genetic diseases. Identifiers: MedGen C0950123, MeSH D030342.
Perlman syndrome (PRLMNS). Identifiers: Orphanet 2849, MedGen C0796113, MONDO:0009965, OMIM 267000.

Allele frequency attached by ClinVar (database versions not stated): gnomAD exomes below 0.00001 and 0.00001; TOPMed below 0.00001; ExAC 0.00002.
gnomAD v4.1: 6 of 1,614,014 alleles (0.00037%); highest among the groups gnomAD compares: South Asian, 0.0033%; no homozygotes.

Submissions (2):

Ambry Genetics
Classification: Uncertain significance for Inborn genetic diseases. Last evaluated: 2025-12-04. Review status: criteria provided, single submitter. Criteria: Ambry Variant Classification Scheme 2023. Collection method: clinical testing. Allele origin: germline.

Labcorp Genetics (formerly Invitae), Labcorp
Classification: Uncertain significance for Perlman syndrome. Last evaluated: 2024-07-16. Review status: criteria provided, single submitter. Criteria: Invitae Variant Classification Sherloc (09022015). Collection method: clinical testing. Allele origin: germline.
Comment: This sequence change replaces glycine, which is neutral and non-polar, with aspartic acid, which is acidic and polar, at codon 358 of the DIS3L2 protein (p.Gly358Asp). This variant is present in population databases (rs769013964, gnomAD 0.003%). This variant has not been reported in the literature in individuals affected with DIS3L2-related conditions. ClinVar contains an entry for this variant (Variation ID: 970137). An algorithm developed to predict the effect of missense changes on protein structure and function outputs the following: PolyPhen-2: "Benign". The aspartic acid amino acid residue is found in multiple mammalian species, which suggests that this missense change does not adversely affect protein function. In summary, the available evidence is currently insufficient to determine the role of this variant in disease. Therefore, it has been classified as a Variant of Uncertain Significance.

NM_152383.5(DIS3L2):c.1073G>A (p.Gly358Asp)

Gene: DIS3L2 (DIS3 like 3'-5' exoribonuclease 2; plus strand). Cytogenetic location: 2q37.1.
Variant type: single nucleotide variant.
Coding change: c.1073G>A on transcript NM_152383.5 (MANE Select); coding-DNA position 1073, G replaced by A.
Protein change: p.Gly358Asp; replaces glycine 358 with aspartic acid.
Molecular consequence: missense variant. On other transcripts: non-coding transcript variant (2).
Genome position (GRCh38, 1-based): chr2:232,163,581, G>A. VCF-style: chr2-232163581-G-A. GRCh37 (hg19) VCF-style: chr2-233028291-G-A.
Other names: c.1073G>A, p.Gly358Asp (NM_001257281.2); short protein forms G358D.
Identifiers: ClinVar variation 970137 (VCV000970137.9), dbSNP rs769013964, ClinGen allele CA2163998.